The following is an entry in ClinVar:

ClinVar aggregate classification (germline): Conflicting classifications of pathogenicity. Review status: criteria provided, conflicting classifications (1 of 4 stars). 2 submissions from 2 submitters: Uncertain significance (1); Likely benign (1). Last evaluated 2026-08-24.

Conditions:
Familial hypobetalipoproteinemia 1. Also called: APOB-Related Familial Hypobetalipoproteinemia; Hypobetalipoproteinemia, normotriglyceridemic; Acanthocytosis with hypobetalipoproteinemia. Identifiers: MedGen C4551990, MONDO:0014252, OMIM 615558.
Hypercholesterolemia, autosomal dominant, type B (FHCL2). Also called: Familial hypercholesterolemia 2; Hyperlipoproteinemia Type IIb; Familial Hypercholesterolemia Type B; APOB-Related Familial Hypercholesterolemia, Autosomal Dominant; APOLIPOPROTEIN B-100, FAMILIAL DEFECTIVE; APOLIPOPROTEIN B-100, FAMILIAL LIGAND-DEFECTIVE. Identifiers: MedGen C1704417, MONDO:0007751, OMIM 144010.
Cardiovascular phenotype. Identifiers: MedGen CN230736.

Allele frequency attached by ClinVar (database versions not stated): gnomAD exomes 0.00001; gnomAD 0.00001.
gnomAD v4.1: 6 of 1,614,090 alleles (0.00037%); highest among the groups gnomAD compares: Admixed American, 0.0017%; no homozygotes.

Submissions (2):

Ambry Genetics
Classification: Uncertain significance for Cardiovascular phenotype. Last evaluated: 2026-08-24. Review status: criteria provided, single submitter. Criteria: Ambry Variant Classification Scheme 2023. Collection method: clinical testing. Allele origin: germline.
Comment: The p.Q1347H variant (also known as c.4041A>C), located in coding exon 25 of the APOB gene, results from an A to C substitution at nucleotide position 4041. The glutamine at codon 1347 is replaced by histidine, an amino acid with highly similar properties. This amino acid position is conserved. In addition, this alteration is predicted to be tolerated by in silico analysis. Based on the available evidence, the clinical significance of this variant remains unclear.

Labcorp Genetics (formerly Invitae), Labcorp
Classification: Likely benign for Familial hypobetalipoproteinemia 1; Hypercholesterolemia, autosomal dominant, type B. Last evaluated: 2025-12-13. Review status: criteria provided, single submitter. Criteria: Invitae Variant Classification Sherloc (09022015). Collection method: clinical testing. Allele origin: germline.

NM_000384.3(APOB):c.4041A>C (p.Gln1347His)

Gene: APOB (apolipoprotein B; minus strand). Cytogenetic location: 2p24.1.
Variant type: single nucleotide variant.
Coding change: c.4041A>C on transcript NM_000384.3 (MANE Select); coding-DNA position 4041, A replaced by C.
Protein change: p.Gln1347His; replaces glutamine 1347 with histidine.
Molecular consequence: missense variant.
Genome position (GRCh38, 1-based): chr2:21,013,335, T>G on the plus strand (A>C on the coding strand, the complement: APOB is on the minus strand). VCF-style: chr2-21013335-T-G. GRCh37 (hg19) VCF-style: chr2-21236207-T-G.
Other names: c.4041A>C (NM_000384.2); short protein forms Q1347H.
Identifiers: ClinVar variation 2934657 (VCV002934657.5), dbSNP rs535041755, ClinGen allele CA43509389.